The following is an entry in ClinVar:

NM_014334.4(FRRS1L):c.79G>T (p.Ala27Ser)

Gene: FRRS1L (ferric chelate reductase 1 like; minus strand). Cytogenetic location: 9q31.3.
Variant type: single nucleotide variant.
Coding change: c.79G>T on transcript NM_014334.4 (MANE Select); coding-DNA position 79, G replaced by T.
Protein change: p.Ala27Ser; replaces alanine 27 with serine.
Molecular consequence: missense variant.
Genome position (GRCh38, 1-based): chr9:109,167,060, C>A on the plus strand (G>T on the coding strand, the complement: FRRS1L is on the minus strand). VCF-style: chr9-109167060-C-A. GRCh37 (hg19) VCF-style: chr9-111929340-C-A.
Other names: p.Ala78Ser; c.232G>T (NM_014334.3); short protein forms A27S.
Identifiers: ClinVar variation 707545 (VCV000707545.13), dbSNP rs769158433, ClinGen allele CA5177492.

ClinVar aggregate classification (germline): Benign/Likely benign. Review status: criteria provided, multiple submitters, no conflicts (2 of 4 stars). 3 submissions from 3 submitters: Benign (2); Likely benign (1). Last evaluated 2025-08-19.

Conditions:
Developmental and epileptic encephalopathy, 37 (DEE37). Also called: Epileptic encephalopathy, early infantile, 37. Identifiers: MedGen C4310770, MONDO:0014859, OMIM 616981.

Allele frequency attached by ClinVar (database versions not stated): ExAC below 0.00001; TOPMed 0.00004; 1000 Genomes Project 30x 0.00047; gnomAD 0.00080 and 0.00083; gnomAD exomes 0.00570.

Submissions (3):

Mayo Clinic Laboratories, Mayo Clinic
Classification: Benign. Last evaluated: 2025-08-19. Review status: criteria provided, single submitter. Criteria: ACMG Guidelines, 2015. Collection method: clinical testing. Allele origin: germline. Observed: 1 variant allele.
Comment: BA1, BP4_very_strong

Labcorp Genetics (formerly Invitae), Labcorp
Classification: Benign for Developmental and epileptic encephalopathy, 37. Last evaluated: 2025-02-06. Review status: criteria provided, single submitter. Criteria: Invitae Variant Classification Sherloc (09022015). Collection method: clinical testing. Allele origin: germline.

Blueprint Genetics
Classification: Likely benign. Last evaluated: 2024-11-11. Review status: criteria provided, single submitter. Criteria: ACMG Guidelines, 2015. Collection method: clinical testing. Allele origin: germline.